The following is an entry in ClinVar:

NM_032043.3(BRIP1):c.1150A>T (p.Asn384Tyr)

Gene: BRIP1 (BRCA1 interacting DNA helicase 1; minus strand). Cytogenetic location: 17q23.2.
Variant type: single nucleotide variant.
Coding change: c.1150A>T on transcript NM_032043.3 (MANE Select); coding-DNA position 1150, A replaced by T.
Protein change: p.Asn384Tyr; replaces asparagine 384 with tyrosine.
Molecular consequence: missense variant.
Genome position (GRCh38, 1-based): chr17:61,799,290, T>A on the plus strand (A>T on the coding strand, the complement: BRIP1 is on the minus strand). VCF-style: chr17-61799290-T-A. GRCh37 (hg19) VCF-style: chr17-59876651-T-A.
Other names: short protein forms N384Y.
Identifiers: ClinVar variation 822261 (VCV000822261.15), dbSNP rs1603342354, ClinGen allele CA400483812.

ClinVar aggregate classification (germline): Uncertain significance. Review status: criteria provided, multiple submitters, no conflicts (2 of 4 stars). 2 submissions from 2 submitters: Uncertain significance (2). Last evaluated 2024-12-14.

Conditions:
Hereditary cancer-predisposing syndrome. Also called: Hereditary Cancer Syndrome; Neoplastic Syndromes, Hereditary; Hereditary neoplastic syndrome; Tumor predisposition. Identifiers: Orphanet 140162, MedGen C0027672, MeSH D009386, MONDO:0015356.
Familial cancer of breast. Also called: Hereditary breast cancer; hereditary breast carcinoma; BREAST CANCER, FAMILIAL. Identifiers: Orphanet 227535, MedGen C0346153, MONDO:0016419, OMIM 114480. Disease mechanism: loss of function.
Fanconi anemia complementation group J. Also called: BRIP1-Related Fanconi Anemia. Identifiers: Orphanet 84, MedGen C1836860, MONDO:0012187, OMIM 609054.

Submissions (2):

Ambry Genetics
Classification: Uncertain significance for Hereditary cancer-predisposing syndrome. Last evaluated: 2024-12-14. Review status: criteria provided, single submitter. Criteria: Ambry Variant Classification Scheme 2023. Collection method: clinical testing. Allele origin: germline.
Comment: The p.N384Y variant (also known as c.1150A>T), located in coding exon 8 of the BRIP1 gene, results from an A to T substitution at nucleotide position 1150. The asparagine at codon 384 is replaced by tyrosine, an amino acid with dissimilar properties. This amino acid position is not well conserved in available vertebrate species. In addition, this alteration is predicted to be tolerated by in silico analysis. Since supporting evidence is limited at this time, the clinical significance of this alteration remains unclear.

Labcorp Genetics (formerly Invitae), Labcorp
Classification: Uncertain significance for Familial cancer of breast; Fanconi anemia complementation group J. Last evaluated: 2022-07-17. Review status: criteria provided, single submitter. Criteria: Invitae Variant Classification Sherloc (09022015). Collection method: clinical testing. Allele origin: germline.
Comment: This sequence change replaces asparagine, which is neutral and polar, with tyrosine, which is neutral and polar, at codon 384 of the BRIP1 protein (p.Asn384Tyr). This variant is not present in population databases (gnomAD no frequency). In summary, the available evidence is currently insufficient to determine the role of this variant in disease. Therefore, it has been classified as a Variant of Uncertain Significance. Algorithms developed to predict the effect of missense changes on protein structure and function are either unavailable or do not agree on the potential impact of this missense change (SIFT: "Tolerated"; PolyPhen-2: "Possibly Damaging"; Align-GVGD: "Class C0"). ClinVar contains an entry for this variant (Variation ID: 822261). This variant has not been reported in the literature in individuals affected with BRIP1-related conditions.